The following is an entry in ClinVar:

NM_000286.3(PEX12):c.816dup (p.Ile273fs)

Gene: PEX12 (peroxisomal biogenesis factor 12; minus strand). Cytogenetic location: 17q12.
Variant type: Duplication.
Coding change: c.816dup on transcript NM_000286.3 (MANE Select); coding-DNA position 816, one base duplicated (C; older notation c.816dupC).
Protein change: p.Ile273fs; shifts the reading frame from isoleucine 273.
Molecular consequence: frameshift variant.
Genome position (GRCh38, 1-based): chr17:35,576,046, G duplicated on the plus strand (C on the coding strand, the reverse complement: PEX12 is on the minus strand); the first of 2 consecutive G bases (chr17:35,576,046-35,576,047); duplicating either gives the same sequence. VCF-style (leftmost placement, unchanged base first): chr17-35576045-T-TG. GRCh37 (hg19) VCF-style: chr17-33903064-T-TG.
Other names: short protein forms I273fs.
Identifiers: ClinVar variation 2828596 (VCV002828596.3), dbSNP rs2509168093, ClinGen allele CA2739267445.

ClinVar aggregate classification (germline): Pathogenic (1 of 4 stars; one submission).

Conditions:
Peroxisome biogenesis disorder 3A (Zellweger). Also called: PEROXISOMAL BIOGENESIS DISORDER 3A (ZELLWEGER); Peroxisome biogenesis disorder 3A. Identifiers: Orphanet 912, MedGen C3553929, MONDO:0013927, OMIM 614859.

Submission:

Labcorp Genetics (formerly Invitae), Labcorp
Classification: Pathogenic for Peroxisome biogenesis disorder 3A (Zellweger). Last evaluated: 2023-02-16. Review status: criteria provided, single submitter. Criteria: Invitae Variant Classification Sherloc (09022015). Collection method: clinical testing. Allele origin: germline.
Comment: For these reasons, this variant has been classified as Pathogenic. This variant disrupts a region of the PEX12 protein in which other variant(s) (p.Gln349del) have been determined to be pathogenic (PMID: 15542397, 21031596, 33123925; Invitae). This suggests that this is a clinically significant region of the protein, and that variants that disrupt it are likely to be disease-causing. This variant has not been reported in the literature in individuals affected with PEX12-related conditions. This variant is not present in population databases (gnomAD no frequency). This sequence change creates a premature translational stop signal (p.Ile273Hisfs*19) in the PEX12 gene. While this is not anticipated to result in nonsense mediated decay, it is expected to disrupt the last 87 amino acid(s) of the PEX12 protein.

Literature cited by the submitters: PubMed 15542397; PubMed 21031596; PubMed 33123925.